The following is an entry in ClinVar:

ClinVar aggregate classification (germline): Uncertain significance. Review status: criteria provided, multiple submitters, no conflicts (2 of 4 stars). 2 submissions from 2 submitters: Uncertain significance (2). Last evaluated 2023-10-02.

Conditions:
Inborn genetic diseases. Identifiers: MedGen C0950123, MeSH D030342.

Allele frequency attached by ClinVar (database versions not stated): gnomAD 0.00004; TOPMed 0.00010.
gnomAD v4.1: 27 of 1,552,164 alleles (0.0017%); highest among the groups gnomAD compares: East Asian, 0.061%; no homozygotes.

Submissions (2):

Ambry Genetics
Classification: Uncertain significance for Inborn genetic diseases. Last evaluated: 2023-10-02. Review status: criteria provided, single submitter. Criteria: Ambry Variant Classification Scheme 2023. Collection method: clinical testing. Allele origin: germline.

Labcorp Genetics (formerly Invitae), Labcorp
Classification: Uncertain significance. Last evaluated: 2022-08-09. Review status: criteria provided, single submitter. Criteria: Invitae Variant Classification Sherloc (09022015). Collection method: clinical testing. Allele origin: germline.
Comment: This sequence change replaces asparagine, which is neutral and polar, with lysine, which is basic and polar, at codon 523 of the LOXHD1 protein (p.Asn523Lys). This variant is present in population databases (no rsID available, gnomAD 0.2%). This variant has not been reported in the literature in individuals affected with LOXHD1-related conditions. Algorithms developed to predict the effect of missense changes on protein structure and function (SIFT, PolyPhen-2, Align-GVGD) all suggest that this variant is likely to be tolerated. In summary, the available evidence is currently insufficient to determine the role of this variant in disease. Therefore, it has been classified as a Variant of Uncertain Significance.

NM_001384474.1(LOXHD1):c.1569C>A (p.Asn523Lys)

Gene: LOXHD1 (lipoxygenase homology PLAT domains 1; minus strand). Cytogenetic location: 18q21.1.
Variant type: single nucleotide variant.
Coding change: c.1569C>A on transcript NM_001384474.1 (MANE Select); coding-DNA position 1569, C replaced by A.
Protein change: p.Asn523Lys; replaces asparagine 523 with lysine.
Molecular consequence: missense variant.
Genome position (GRCh38, 1-based): chr18:46,592,018, G>T on the plus strand (C>A on the coding strand, the complement: LOXHD1 is on the minus strand). VCF-style: chr18-46592018-G-T. GRCh37 (hg19) VCF-style: chr18-44171981-G-T.
Other names: c.1569C>A, p.Asn523Lys (NM_144612.7); c.1569C>A (NM_144612.6); short protein forms N523K.
Identifiers: ClinVar variation 2143122 (VCV002143122.2), dbSNP rs949865785, ClinGen allele CA299803725.